The following is an entry in ClinVar:

ClinVar aggregate classification (germline): Uncertain significance. Review status: criteria provided, multiple submitters, no conflicts (2 of 4 stars). 2 submissions from 2 submitters: Uncertain significance (2). Last evaluated 2025-12-15.

Conditions:
GLUT1 deficiency syndrome 1, autosomal recessive. Identifiers: MedGen C3149117.

Submissions (2):

Labcorp Genetics (formerly Invitae), Labcorp
Classification: Uncertain significance for GLUT1 deficiency syndrome 1, autosomal recessive. Last evaluated: 2025-12-15. Review status: criteria provided, single submitter. Criteria: Invitae Variant Classification Sherloc (09022015). Collection method: clinical testing. Allele origin: germline.
Comment: This sequence change replaces proline, which is neutral and non-polar, with leucine, which is neutral and non-polar, at codon 58 of the SLC2A1 protein (p.Pro58Leu). This variant is not present in population databases (gnomAD no frequency). This variant has not been reported in the literature in individuals affected with SLC2A1-related conditions. Invitae Evidence Modeling of protein sequence and biophysical properties (such as structural, functional, and spatial information, amino acid conservation, physicochemical variation, residue mobility, and thermodynamic stability) has been performed for this missense variant. However, the output from this modeling did not meet the statistical confidence thresholds required to predict the impact of this variant on SLC2A1 protein function. In summary, the available evidence is currently insufficient to determine the role of this variant in disease. Therefore, it has been classified as a Variant of Uncertain Significance.

GeneDx
Classification: Uncertain significance. Last evaluated: 2025-06-27. Review status: criteria provided, single submitter. Criteria: GeneDx Variant Classification Process June 2021. Collection method: clinical testing. Allele origin: germline. Affected: yes.
Comment: Not observed at significant frequency in large population cohorts (gnomAD); In silico analysis supports that this missense variant has a deleterious effect on protein structure/function; Has not been previously published as pathogenic or benign to our knowledge

NM_006516.4(SLC2A1):c.173C>T (p.Pro58Leu)

Gene: SLC2A1 (solute carrier family 2 member 1; minus strand). Cytogenetic location: 1p34.2.
Variant type: single nucleotide variant.
Coding change: c.173C>T on transcript NM_006516.4 (MANE Select); coding-DNA position 173, C replaced by T.
Protein change: p.Pro58Leu; replaces proline 58 with leucine.
Molecular consequence: missense variant.
Genome position (GRCh38, 1-based): chr1:42,931,148, G>A on the plus strand (C>T on the coding strand, the complement: SLC2A1 is on the minus strand). VCF-style: chr1-42931148-G-A. GRCh37 (hg19) VCF-style: chr1-43396819-G-A.
Other names: short protein forms P58L.
Identifiers: ClinVar variation 4539921 (VCV004539921.2).